The following is an entry in ClinVar:

NM_001009944.3(PKD1):c.8960_8969del (p.Pro2987fs)

Gene: PKD1 (polycystin 1, transient receptor potential channel interacting; minus strand). Cytogenetic location: 16p13.3.
Variant type: Deletion.
Coding change: c.8960_8969del on transcript NM_001009944.3 (MANE Select); coding-DNA positions 8960 to 8969, 10 bases deleted (CAGCGGGGAG; older notation c.8960_8969delCAGCGGGGAG).
Protein change: p.Pro2987fs; shifts the reading frame from proline 2987.
Molecular consequence: frameshift variant.
Genome position (GRCh38, 1-based): chr16:2,102,613-2,102,622, CTCCCCGCTG deleted on the plus strand (CAGCGGGGAG on the coding strand, the reverse complement: PKD1 is on the minus strand). VCF-style (leftmost placement, unchanged base first): chr16-2102612-ACTCCCCGCTG-A. GRCh37 (hg19) VCF-style: chr16-2152613-ACTCCCCGCTG-A.
Other names: c.8960_8969del, p.Pro2987fs (NM_000296.4); short protein forms P2987fs.
Identifiers: ClinVar variation 3382035 (VCV003382035.2).

ClinVar aggregate classification (germline): Pathogenic (1 of 4 stars; one submission).

Conditions:
Polycystic kidney disease, adult type (PKD1). Also called: POLYCYSTIC KIDNEY DISEASE, ADULT, TYPE I; Polycystic Kidney Disease 1, Autosomal Dominant; Polycystic kidney disease 1; Polycystic kidney disease 1, severe; Polycystic Kidney, Autosomal Dominant; POLYCYSTIC KIDNEY DISEASE 1 WITH OR WITHOUT POLYCYSTIC LIVER DISEASE. Identifiers: MedGen C3149841, MONDO:0008263, OMIM 173900.

Submission:

Juno Genomics, Hangzhou Juno Genomics, Inc
Classification: Pathogenic for Polycystic kidney disease, adult type. Review status: criteria provided, single submitter. Criteria: ACMG Guidelines, 2015. Collection method: clinical testing. Allele origin: germline. Affected: yes.
Comment: Null variant in a gene where loss of function (LOF) is a known mechanism of disease.;Absent from controls (or at extremely low frequency if recessive) in Genome Aggregation Database, Exome Sequencing Project, 1000 Genomes Project, or Exome Aggregation Consortium.;Patient's phenotype or family history is highly specific for a disease with a single genetic etiology.